The following is an entry in ClinVar:

ClinVar aggregate classification (germline): Uncertain significance (1 of 4 stars; one submission).

Conditions:
Inborn genetic diseases. Identifiers: MedGen C0950123, MeSH D030342.

gnomAD v4.1: 2 of 1,614,002 alleles (0.00012%); highest among the groups gnomAD compares: Non-Finnish European, 0.00017%; no homozygotes.

Submission:

Ambry Genetics
Classification: Uncertain significance for Inborn genetic diseases. Last evaluated: 2024-12-07. Review status: criteria provided, single submitter. Criteria: Ambry Variant Classification Scheme 2023. Collection method: clinical testing. Allele origin: germline.
Comment: The p.V1009A variant (also known as c.3026T>C), located in coding exon 13 of the BMPR2 gene, results from a T to C substitution at nucleotide position 3026. The valine at codon 1009 is replaced by alanine, an amino acid with similar properties. This amino acid position is conserved. In addition, this alteration is predicted to be tolerated by in silico analysis. Based on the available evidence, the clinical significance of this variant remains unclear.

NM_001204.7(BMPR2):c.3026T>C (p.Val1009Ala)

Gene: BMPR2 (bone morphogenetic protein receptor type 2; plus strand). Cytogenetic location: 2q33.2.
Variant type: single nucleotide variant.
Coding change: c.3026T>C on transcript NM_001204.7 (MANE Select); coding-DNA position 3026, T replaced by C.
Protein change: p.Val1009Ala; replaces valine 1009 with alanine.
Molecular consequence: missense variant.
Genome position (GRCh38, 1-based): chr2:202,559,855, T>C. VCF-style: chr2-202559855-T-C. GRCh37 (hg19) VCF-style: chr2-203424578-T-C.
Other names: short protein forms V1009A.
Identifiers: ClinVar variation 3481344 (VCV003481344.1).